The following is an entry in ClinVar:

NM_005458.8(GABBR2):c.399C>T (p.Gly133=)

Gene: GABBR2 (gamma-aminobutyric acid type B receptor subunit 2; minus strand). Cytogenetic location: 9q22.33.
Variant type: single nucleotide variant.
Coding change: c.399C>T on transcript NM_005458.8 (MANE Select); coding-DNA position 399, C replaced by T.
Protein change: p.Gly133=; no amino-acid change (glycine 133 retained).
Molecular consequence: synonymous variant.
Genome position (GRCh38, 1-based): chr9:98,577,995, G>A on the plus strand (C>T on the coding strand, the complement: GABBR2 is on the minus strand). VCF-style: chr9-98577995-G-A. GRCh37 (hg19) VCF-style: chr9-101340277-G-A.
Identifiers: ClinVar variation 580388 (VCV000580388.14), dbSNP rs754203594, ClinGen allele CA5153002.

ClinVar aggregate classification (germline): Benign/Likely benign. Review status: criteria provided, multiple submitters, no conflicts (2 of 4 stars). 3 submissions from 3 submitters: Benign (1); Likely benign (1). 1 of the submissions does not count toward it. Last evaluated 2025-12-16.

Conditions:
GABBR2-related disorder. Also called: GABBR2-related disorders; GABBR2-related condition.
Epileptic encephalopathy. Identifiers: MedGen C0543888, HP:0200134.

Allele frequency attached by ClinVar (database versions not stated): ExAC 0.00001; gnomAD exomes 0.00004; gnomAD 0.00005; TOPMed 0.00005.
gnomAD v4.1: 70 of 1,613,636 alleles (0.0043%); highest among the groups gnomAD compares: Middle Eastern, 0.016%; no homozygotes.

Submissions (4):

Labcorp Genetics (formerly Invitae), Labcorp
Classification: Benign for Epileptic encephalopathy. Last evaluated: 2025-12-16. Review status: criteria provided, single submitter. Criteria: Invitae Variant Classification Sherloc (09022015). Collection method: clinical testing. Allele origin: germline.

Blueprint Genetics
Classification: Likely benign. Last evaluated: 2023-10-20. Review status: criteria provided, single submitter. Criteria: ACMG Guidelines, 2015. Collection method: clinical testing. Allele origin: germline.

PreventionGenetics, part of Exact Sciences
Classification: Likely benign for GABBR2-related condition. Last evaluated: 2019-12-06. Review status: no assertion criteria provided. Collection method: clinical testing. Allele origin: germline. Not counted in ClinVar's aggregate classification.
Comment: This variant is classified as likely benign based on ACMG/AMP sequence variant interpretation guidelines (Richards et al. 2015 PMID: 25741868, with internal and published modifications).

Dr. Peter K. Rogan Lab, Western University
No classification provided (evidence only). Condition: Acute myeloid leukemia. Review status: no classification provided. Collection method: in vitro. Allele origin: not applicable. Functional consequence: retained intron. Not counted in ClinVar's aggregate classification.